The following is an entry in ClinVar:

NM_000136.3(FANCC):c.1092G>C (p.Trp364Cys)

Genes: FANCC (FA complementation group C; minus strand), AOPEP (aminopeptidase O (putative); plus strand). Cytogenetic location: 9q22.32.
Variant type: single nucleotide variant.
Coding change: c.1092G>C on transcript NM_000136.3 (MANE Select); coding-DNA position 1092, G replaced by C.
Protein change: p.Trp364Cys; replaces tryptophan 364 with cysteine.
Molecular consequence: missense variant.
Genome position (GRCh38, 1-based): chr9:95,114,691, C>G on the plus strand (G>C on the coding strand, the complement: FANCC is on the minus strand). VCF-style: chr9-95114691-C-G. GRCh37 (hg19) VCF-style: chr9-97876973-C-G.
Other names: c.1092G>C, p.Trp364Cys (NM_001243743.2, NM_001243744.2); short protein forms W364C.
Identifiers: ClinVar variation 1789747 (VCV001789747.2), dbSNP rs2540948713, ClinGen allele CA374108036.

ClinVar aggregate classification (germline): Uncertain significance (1 of 4 stars; one submission).

Conditions:
Hereditary cancer-predisposing syndrome. Also called: Hereditary Cancer Syndrome; Hereditary neoplastic syndrome; Tumor predisposition; Neoplastic Syndromes, Hereditary. Identifiers: Orphanet 140162, MedGen C0027672, MeSH D009386, MONDO:0015356.

Submission:

Ambry Genetics
Classification: Uncertain significance for Hereditary cancer-predisposing syndrome. Last evaluated: 2021-06-27. Review status: criteria provided, single submitter. Criteria: Ambry Variant Classification Scheme 2023. Collection method: clinical testing. Allele origin: germline.
Comment: The p.W364C variant (also known as c.1092G>C), located in coding exon 11 of the FANCC gene, results from a G to C substitution at nucleotide position 1092. The tryptophan at codon 364 is replaced by cysteine, an amino acid with highly dissimilar properties. This amino acid position is conserved. In addition, this alteration is predicted to be tolerated by in silico analysis. Since supporting evidence is limited at this time, the clinical significance of this alteration remains unclear.